The following is an entry in ClinVar:

NM_000051.4(ATM):c.4762T>C (p.Phe1588Leu)

Gene: ATM (ATM serine/threonine kinase; plus strand). Cytogenetic location: 11q22.3.
Variant type: single nucleotide variant.
Coding change: c.4762T>C on transcript NM_000051.4 (MANE Select); coding-DNA position 4762, T replaced by C.
Protein change: p.Phe1588Leu; replaces phenylalanine 1588 with leucine.
Molecular consequence: missense variant.
Genome position (GRCh38, 1-based): chr11:108,293,463, T>C. VCF-style: chr11-108293463-T-C. GRCh37 (hg19) VCF-style: chr11-108164190-T-C.
Other names: c.4762T>C, p.Phe1588Leu (NM_001351834.2); short protein forms F1588L.
Identifiers: ClinVar variation 839649 (VCV000839649.9), dbSNP rs2082925146, ClinGen allele CA382535166.

ClinVar aggregate classification (germline): Uncertain significance (1 of 4 stars; one submission).

Conditions:
Ataxia-telangiectasia syndrome (AT). Also called: Ataxia-telangiectasia, complementation group D; AT, COMPLEMENTATION GROUP C; Ataxia telangiectasia (A-T); Cerebello-oculocutaneous telangiectasia; Immunodeficiency with ataxia telangiectasia; Ataxia-telangiectasia. Identifiers: Orphanet 100, MedGen C0004135, MONDO:0008840, OMIM 208900.

Submission:

Labcorp Genetics (formerly Invitae), Labcorp
Classification: Uncertain significance for Ataxia-telangiectasia syndrome. Last evaluated: 2019-01-21. Review status: criteria provided, single submitter. Criteria: Invitae Variant Classification Sherloc (09022015). Collection method: clinical testing. Allele origin: germline.
Comment: Algorithms developed to predict the effect of missense changes on protein structure and function (SIFT, PolyPhen-2, Align-GVGD) all suggest that this variant is likely to be tolerated, but these predictions have not been confirmed by published functional studies and their clinical significance is uncertain. In summary, the available evidence is currently insufficient to determine the role of this variant in disease. Therefore, it has been classified as a Variant of Uncertain Significance. This variant has not been reported in the literature in individuals with ATM-related conditions. This variant is not present in population databases (ExAC no frequency). This sequence change replaces phenylalanine with leucine at codon 1588 of the ATM protein (p.Phe1588Leu). The phenylalanine residue is moderately conserved and there is a small physicochemical difference between phenylalanine and leucine.